The following is an entry in ClinVar:

ClinVar aggregate classification (germline): Uncertain significance (1 of 4 stars; one submission).

Conditions:
Hypertrophic cardiomyopathy 8. Also called: MYL3-Related Familial Hypertrophic Cardiomyopathy; CARDIOMYOPATHY, HYPERTROPHIC, MID-LEFT VENTRICULAR CHAMBER TYPE, 1. Identifiers: MedGen C1837471, MONDO:0012111, OMIM 608751.

Submission:

Center of Genomic medicine, Geneva, University Hospital of Geneva
Classification: Uncertain significance for Hypertrophic cardiomyopathy 8. Last evaluated: 2018-03-29. Review status: criteria provided, single submitter. Criteria: ACMG Guidelines, 2015. Collection method: clinical testing. Allele origin: germline. Affected: yes. Observed: 1 variant allele.

NM_000258.3(MYL3):c.481G>T (p.Gly161Cys)

Gene: MYL3 (myosin light chain 3; minus strand). Cytogenetic location: 3p21.31.
Variant type: single nucleotide variant.
Coding change: c.481G>T on transcript NM_000258.3 (MANE Select); coding-DNA position 481, G replaced by T.
Protein change: p.Gly161Cys; replaces glycine 161 with cysteine.
Molecular consequence: missense variant.
Genome position (GRCh38, 1-based): chr3:46,859,475, C>A on the plus strand (G>T on the coding strand, the complement: MYL3 is on the minus strand). VCF-style: chr3-46859475-C-A. GRCh37 (hg19) VCF-style: chr3-46900965-C-A.
Other names: short protein forms G161C.
Identifiers: ClinVar variation 585287 (VCV000585287.2), dbSNP rs1356433667, ClinGen allele CA352495865.